The following is an entry in ClinVar:

ClinVar aggregate classification (germline): Benign/Likely benign. Review status: criteria provided, multiple submitters, no conflicts (2 of 4 stars). 3 submissions from 3 submitters: Benign (1); Likely benign (1). 1 of the submissions does not count toward it. Last evaluated 2025-12-20.

Conditions:
KSR2-related disorder. Also called: KSR2-related condition.

Allele frequency attached by ClinVar (database versions not stated): gnomAD exomes 0.00018; ExAC 0.00059; ESP Exome Variant Server 0.00136; gnomAD 0.00227; TOPMed 0.00240; 1000 Genomes Project 0.00280; 1000 Genomes Project 30x 0.00297.
gnomAD v4.1: 612 of 1,614,072 alleles (0.038%); highest among the groups gnomAD compares: African/African-American, 0.74%; 9 homozygotes.

Submissions (3):

Labcorp Genetics (formerly Invitae), Labcorp
Classification: Benign. Last evaluated: 2025-12-20. Review status: criteria provided, single submitter. Criteria: Invitae Variant Classification Sherloc (09022015). Collection method: clinical testing. Allele origin: germline.

Blueprint Genetics
Classification: Likely benign. Last evaluated: 2024-04-12. Review status: criteria provided, single submitter. Criteria: ACMG Guidelines, 2015. Collection method: clinical testing. Allele origin: germline.

PreventionGenetics, part of Exact Sciences
Classification: Benign for KSR2-related condition. Last evaluated: 2019-08-09. Review status: no assertion criteria provided. Collection method: clinical testing. Allele origin: germline. Not counted in ClinVar's aggregate classification.
Comment: This variant is classified as benign based on ACMG/AMP sequence variant interpretation guidelines (Richards et al. 2015 PMID: 25741868, with internal and published modifications).

NM_173598.6(KSR2):c.465C>T (p.His155=)

Gene: KSR2 (kinase suppressor of ras 2; minus strand). Cytogenetic location: 12q24.23.
Variant type: single nucleotide variant.
Coding change: c.465C>T on transcript NM_173598.6 (MANE Select); coding-DNA position 465, C replaced by T.
Protein change: p.His155=; no amino-acid change (histidine 155 retained).
Molecular consequence: synonymous variant.
Genome position (GRCh38, 1-based): chr12:117,855,435, G>A on the plus strand (C>T on the coding strand, the complement: KSR2 is on the minus strand). VCF-style: chr12-117855435-G-A. GRCh37 (hg19) VCF-style: chr12-118293240-G-A.
Other names: c.378C>T (NM_173598.4).
Identifiers: ClinVar variation 2043436 (VCV002043436.7), dbSNP rs375104414, ClinGen allele CA6816347.